The following is an entry in ClinVar:

ClinVar aggregate classification (germline): Likely pathogenic (1 of 4 stars; one submission).

Conditions:
Lamellar ichthyosis. Identifiers: Orphanet 313, MedGen C5848247, MONDO:0017778.

Submission:

Women's Health and Genetics/Laboratory Corporation of America, LabCorp
Classification: Likely pathogenic for Lamellar ichthyosis. Last evaluated: 2025-07-23. Review status: criteria provided, single submitter. Criteria: LabCorp Variant Classification Summary - May 2015. Collection method: clinical testing. Allele origin: germline.
Comment: Variant summary: TGM1 c.1070G>A (p.Gly357Asp) results in a non-conservative amino acid change in the encoded protein sequence. Algorithms developed to predict the effect of missense changes on protein structure and function all suggest that this variant is likely to be disruptive. The variant was absent in 251116 control chromosomes. c.1070G>A has been observed in the presumed compound heterozygous state in at least 1 individual(s) affected with congenital ichthyosiform erythroderma (Numata_2015). At least one publication reports experimental evidence evaluating an impact on protein function. The most pronounced variant effect results in <10% of normal activity in vitro (Numata_2016). The following publications have been ascertained in the context of this evaluation (PMID: 26990434, 25766764, 36676727). No submitters have cited clinical-significance assessments for this variant to ClinVar. Based on the evidence outlined above, the variant was classified as likely pathogenic.

Literature cited by the submitters: PubMed 26990434; PubMed 25766764; PubMed 36676727.

NM_000359.3(TGM1):c.1070G>A (p.Gly357Asp)

Gene: TGM1 (transglutaminase 1; minus strand). Cytogenetic location: 14q12.
Variant type: single nucleotide variant.
Coding change: c.1070G>A on transcript NM_000359.3 (MANE Select); coding-DNA position 1070, G replaced by A.
Protein change: p.Gly357Asp; replaces glycine 357 with aspartic acid.
Molecular consequence: missense variant.
Genome position (GRCh38, 1-based): chr14:24,259,164, C>T on the plus strand (G>A on the coding strand, the complement: TGM1 is on the minus strand). VCF-style: chr14-24259164-C-T. GRCh37 (hg19) VCF-style: chr14-24728370-C-T.
Other names: short protein forms G357D.
Identifiers: ClinVar variation 4526264 (VCV004526264.1).